The following is an entry in ClinVar:

ClinVar aggregate classification (germline): Uncertain significance (1 of 4 stars; one submission).

Conditions:
Charcot-Marie-Tooth disease type 2B (CMT2B). Also called: Charcot-Marie-Tooth Neuropathy Type 2B; CHARCOT-MARIE-TOOTH DISEASE, AXONAL, TYPE 2B; CHARCOT-MARIE-TOOTH DISEASE, AUTOSOMAL DOMINANT, TYPE 2B; HEREDITARY MOTOR AND SENSORY NEUROPATHY IIB. Identifiers: Orphanet 99936, MedGen C1833219, MONDO:0010949, OMIM 600882.

gnomAD v4.1: 4 of 1,614,128 alleles (0.00025%); highest among the groups gnomAD compares: Non-Finnish European, 0.00034%; no homozygotes.

Submission:

Labcorp Genetics (formerly Invitae), Labcorp
Classification: Uncertain significance for Charcot-Marie-Tooth disease type 2B. Last evaluated: 2026-01-26. Review status: criteria provided, single submitter. Criteria: Invitae Variant Classification Sherloc (09022015). Collection method: clinical testing. Allele origin: germline.
Comment: This sequence change replaces arginine, which is basic and polar, with tryptophan, which is neutral and slightly polar, at codon 138 of the RAB7A protein (p.Arg138Trp). This variant is not present in population databases (gnomAD no frequency). This variant has not been reported in the literature in individuals affected with RAB7A-related conditions. An algorithm developed to predict the effect of missense changes on protein structure and function (PolyPhen-2) suggests that this variant is likely to be disruptive. In summary, the available evidence is currently insufficient to determine the role of this variant in disease. Therefore, it has been classified as a Variant of Uncertain Significance.

NM_004637.6(RAB7A):c.412C>T (p.Arg138Trp)

Gene: RAB7A (RAB7A, member RAS oncogene family; plus strand). Cytogenetic location: 3q21.3.
Variant type: single nucleotide variant.
Coding change: c.412C>T on transcript NM_004637.6 (MANE Select); coding-DNA position 412, C replaced by T.
Protein change: p.Arg138Trp; replaces arginine 138 with tryptophan.
Molecular consequence: missense variant.
Genome position (GRCh38, 1-based): chr3:128,807,555, C>T. VCF-style: chr3-128807555-C-T. GRCh37 (hg19) VCF-style: chr3-128526398-C-T.
Other names: short protein forms R138W.
Identifiers: ClinVar variation 4808557 (VCV004808557.1).